The following is an entry in ClinVar:

NM_152703.5(SAMD9L):c.3458T>C (p.Leu1153Pro)

Gene: SAMD9L (sterile alpha motif domain containing 9 like; minus strand). Cytogenetic location: 7q21.2.
Variant type: single nucleotide variant.
Coding change: c.3458T>C on transcript NM_152703.5 (MANE Select); coding-DNA position 3458, T replaced by C.
Protein change: p.Leu1153Pro; replaces leucine 1153 with proline.
Molecular consequence: missense variant.
Genome position (GRCh38, 1-based): chr7:93,132,514, A>G on the plus strand (T>C on the coding strand, the complement: SAMD9L is on the minus strand). VCF-style: chr7-93132514-A-G. GRCh37 (hg19) VCF-style: chr7-92761827-A-G.
Other names: c.3458T>C (NM_152703.2); c.3458T>C, p.Leu1153Pro (NM_001303496.3, NM_001303497.3, NM_001303498.3 and 5 more transcripts); short protein forms L1153P.
Identifiers: ClinVar variation 2103926 (VCV002103926.5), dbSNP rs1350276705, ClinGen allele CA368182323.
Genomic context (GRCh38, chr7:93,132,514, plus strand): 5'-TTACTATCAGTTTGCCTTTGGGATTCTTTGAAAGCTCTTGAGGCTTTTTCCGCAGCTTCT[A>G]GGAGATGTGTTAGGTCATTAACAGTAATGCTCCTACAGTTTTTGTTCCCATCCAACCACC-3'
Protein context (NP_689916.2, residues 1143-1163): SITVNDLTHL[Leu1153Pro]EAAEKASRAF

ClinVar aggregate classification (germline): Uncertain significance. Review status: criteria provided, multiple submitters, no conflicts (2 of 4 stars). 2 submissions from 2 submitters: Uncertain significance (2). Last evaluated 2025-07-31.

Conditions:
Inborn genetic diseases. Identifiers: MedGen C0950123, MeSH D030342.

Allele frequency attached by ClinVar (database versions not stated): gnomAD exomes below 0.00001; gnomAD 0.00001; TOPMed 0.00001.
gnomAD v4.1: 2 of 1,613,786 alleles (0.00012%); highest among the groups gnomAD compares: Admixed American, 0.0017%; no homozygotes.

Submissions (2):

Ambry Genetics
Classification: Uncertain significance for Inborn genetic diseases. Last evaluated: 2025-07-31. Review status: criteria provided, single submitter. Criteria: Ambry Variant Classification Scheme 2023. Collection method: clinical testing. Allele origin: germline.
Comment: The p.L1153P variant (also known as c.3458T>C), located in coding exon 1 of the SAMD9L gene, results from a T to C substitution at nucleotide position 3458. The leucine at codon 1153 is replaced by proline, an amino acid with similar properties. This amino acid position is conserved. In addition, the in silico prediction for this alteration is inconclusive. Based on the available evidence, the clinical significance of this variant remains unclear.

Labcorp Genetics (formerly Invitae), Labcorp
Classification: Uncertain significance. Last evaluated: 2022-10-19. Review status: criteria provided, single submitter. Criteria: Invitae Variant Classification Sherloc (09022015). Collection method: clinical testing. Allele origin: germline.
Comment: In summary, the available evidence is currently insufficient to determine the role of this variant in disease. Therefore, it has been classified as a Variant of Uncertain Significance. Advanced modeling of protein sequence and biophysical properties (such as structural, functional, and spatial information, amino acid conservation, physicochemical variation, residue mobility, and thermodynamic stability) performed at Invitae indicates that this missense variant is expected to disrupt SAMD9L protein function. This variant has not been reported in the literature in individuals affected with SAMD9L-related conditions. This variant is not present in population databases (gnomAD no frequency). This sequence change replaces leucine, which is neutral and non-polar, with proline, which is neutral and non-polar, at codon 1153 of the SAMD9L protein (p.Leu1153Pro).